The following is an entry in ClinVar:

NM_004960.4(FUS):c.422A>C (p.Gln141Pro)

Gene: FUS (FUS RNA binding protein; plus strand). Cytogenetic location: 16p11.2.
Variant type: single nucleotide variant.
Coding change: c.422A>C on transcript NM_004960.4 (MANE Select); coding-DNA position 422, A replaced by C.
Protein change: p.Gln141Pro; replaces glutamine 141 with proline.
Molecular consequence: missense variant. On other transcripts: non-coding transcript variant (1).
Genome position (GRCh38, 1-based): chr16:31,184,295, A>C. VCF-style: chr16-31184295-A-C. GRCh37 (hg19) VCF-style: chr16-31195616-A-C.
Other names: c.422A>C, p.Gln141Pro (NM_001170937.1); c.419A>C, p.Gln140Pro (NM_001170634.1); short protein forms Q140P, Q141P.
Identifiers: ClinVar variation 3756534 (VCV003756534.2).

ClinVar aggregate classification (germline): Uncertain significance (1 of 4 stars; one submission).

Conditions:
Amyotrophic lateral sclerosis type 6. Also called: FUS-Related Amyotrophic Laterial Sclerosis; AMYOTROPHIC LATERAL SCLEROSIS 6 WITHOUT FRONTOTEMPORAL DEMENTIA; Amyotrophic lateral sclerosis 6, with or without frontotemporal dementia. Identifiers: Orphanet 275872, Orphanet 803, MedGen C2931786, MONDO:0011951, OMIM 608030.
Tremor, hereditary essential, 4 (ETM4). Identifiers: MedGen C3539195, MONDO:0013888, OMIM 614782.

Submission:

Labcorp Genetics (formerly Invitae), Labcorp
Classification: Uncertain significance for Tremor, hereditary essential, 4; Amyotrophic lateral sclerosis type 6. Last evaluated: 2024-05-25. Review status: criteria provided, single submitter. Criteria: Invitae Variant Classification Sherloc (09022015). Collection method: clinical testing. Allele origin: germline.
Comment: This sequence change replaces glutamine, which is neutral and polar, with proline, which is neutral and non-polar, at codon 141 of the FUS protein (p.Gln141Pro). This variant is not present in population databases (gnomAD no frequency). This variant has not been reported in the literature in individuals affected with FUS-related conditions. Algorithms developed to predict the effect of missense changes on protein structure and function output the following: SIFT: "Not Available"; PolyPhen-2: "Not Available"; Align-GVGD: "Not Available". The proline amino acid residue is found in multiple mammalian species, which suggests that this missense change does not adversely affect protein function. In summary, the available evidence is currently insufficient to determine the role of this variant in disease. Therefore, it has been classified as a Variant of Uncertain Significance.